The following is an entry in ClinVar:

ClinVar aggregate classification (germline): Benign (1 of 4 stars; one submission).

Allele frequency attached by ClinVar (database versions not stated): TOPMed 0.42824; gnomAD 0.45866 and 0.47692; 1000 Genomes Project 0.59165; 1000 Genomes Project 30x 0.59713.
gnomAD v4.1: 66,841 of 139,992 alleles (48%); highest among the groups gnomAD compares: East Asian, 96%; 16,140 homozygotes.

Submission:

GeneDx
Classification: Benign. Last evaluated: 2018-06-18. Review status: criteria provided, single submitter. Criteria: GeneDx Variant Classification (06012015). Collection method: clinical testing. Allele origin: germline. Affected: yes.
Comment: This variant is considered likely benign or benign based on one or more of the following criteria: it is a conservative change, it occurs at a poorly conserved position in the protein, it is predicted to be benign by multiple in silico algorithms, and/or has population frequency not consistent with disease.

NM_000069.3(CACNA1S):c.2063+333G>A

Gene: CACNA1S (calcium voltage-gated channel subunit alpha1 S; minus strand). Cytogenetic location: 1q32.1.
Variant type: single nucleotide variant.
Coding change: c.2063+333G>A on transcript NM_000069.3 (MANE Select); 333 bases into the intron after coding-DNA position 2063, G replaced by A.
Molecular consequence: intron variant.
Genome position (GRCh38, 1-based): chr1:201,074,173, C>T on the plus strand (G>A on the coding strand, the complement: CACNA1S is on the minus strand). VCF-style: chr1-201074173-C-T. GRCh37 (hg19) VCF-style: chr1-201043301-C-T.
Identifiers: ClinVar variation 668054 (VCV000668054.1), dbSNP rs10800757, ClinGen allele CA10748479.